The following is an entry in ClinVar:

NM_006420.3(ARFGEF2):c.3259A>G (p.Ile1087Val)

Gene: ARFGEF2 (ARF guanine nucleotide exchange factor 2; plus strand). Cytogenetic location: 20q13.13.
Variant type: single nucleotide variant.
Coding change: c.3259A>G on transcript NM_006420.3 (MANE Select); coding-DNA position 3259, A replaced by G.
Protein change: p.Ile1087Val; replaces isoleucine 1087 with valine.
Molecular consequence: missense variant.
Genome position (GRCh38, 1-based): chr20:48,998,230, A>G. VCF-style: chr20-48998230-A-G. GRCh37 (hg19) VCF-style: chr20-47614767-A-G.
Other names: c.3256A>G, p.Ile1086Val (NM_001410846.1); short protein forms I1086V, I1087V.
Identifiers: ClinVar variation 2196137 (VCV002196137.4), dbSNP rs951654073, ClinGen allele CA315890985.

ClinVar aggregate classification (germline): Uncertain significance (1 of 4 stars; one submission).

Allele frequency attached by ClinVar (database versions not stated): gnomAD exomes below 0.00001; gnomAD 0.00001; TOPMed 0.00001.
gnomAD v4.1: 8 of 1,614,030 alleles (0.0005%); highest among the groups gnomAD compares: Admixed American, 0.0017%; no homozygotes.

Submission:

Labcorp Genetics (formerly Invitae), Labcorp
Classification: Uncertain significance. Last evaluated: 2022-07-17. Review status: criteria provided, single submitter. Criteria: Invitae Variant Classification Sherloc (09022015). Collection method: clinical testing. Allele origin: germline.
Comment: In summary, the available evidence is currently insufficient to determine the role of this variant in disease. Therefore, it has been classified as a Variant of Uncertain Significance. Algorithms developed to predict the effect of missense changes on protein structure and function are either unavailable or do not agree on the potential impact of this missense change (SIFT: "Deleterious"; PolyPhen-2: "Benign"; Align-GVGD: "Class C25"). This variant has not been reported in the literature in individuals affected with ARFGEF2-related conditions. This variant is present in population databases (no rsID available, gnomAD 0.0009%). This sequence change replaces isoleucine, which is neutral and non-polar, with valine, which is neutral and non-polar, at codon 1087 of the ARFGEF2 protein (p.Ile1087Val).